The following is an entry in ClinVar:

ClinVar aggregate classification (germline): Uncertain significance (1 of 4 stars; one submission).

Conditions:
Inflammatory bowel disease 25. Also called: Inflammatory bowel disease 25, early onset, autosomal recessive. Identifiers: Orphanet 238569, MedGen C2675508, MONDO:0012941, OMIM 612567.

Submission:

Labcorp Genetics (formerly Invitae), Labcorp
Classification: Uncertain significance for Inflammatory bowel disease 25. Last evaluated: 2022-07-05. Review status: criteria provided, single submitter. Criteria: Invitae Variant Classification Sherloc (09022015). Collection method: clinical testing. Allele origin: germline.
Comment: This variant is not present in population databases (gnomAD no frequency). In summary, the available evidence is currently insufficient to determine the role of this variant in disease. Therefore, it has been classified as a Variant of Uncertain Significance. Algorithms developed to predict the effect of missense changes on protein structure and function (SIFT, PolyPhen-2, Align-GVGD) all suggest that this variant is likely to be tolerated. ClinVar contains an entry for this variant (Variation ID: 1006130). This variant has not been reported in the literature in individuals affected with IL10RB-related conditions. This sequence change replaces aspartic acid, which is acidic and polar, with glutamic acid, which is acidic and polar, at codon 311 of the IL10RB protein (p.Asp311Glu).

NM_000628.5(IL10RB):c.933C>A (p.Asp311Glu)

Genes: IFNAR2-IL10RB (IFNAR2-IL10RB readthrough; plus strand), IL10RB (interleukin 10 receptor subunit beta; plus strand). Cytogenetic location: 21q22.11.
Variant type: single nucleotide variant.
Coding change: c.933C>A on transcript NM_000628.5 (MANE Select); coding-DNA position 933, C replaced by A.
Protein change: p.Asp311Glu; replaces aspartic acid 311 with glutamic acid.
Molecular consequence: missense variant.
Genome position (GRCh38, 1-based): chr21:33,296,312, C>A. VCF-style: chr21-33296312-C-A. GRCh37 (hg19) VCF-style: chr21-34668617-C-A.
Other names: short protein forms D311E.
Identifiers: ClinVar variation 1006130 (VCV001006130.9), dbSNP rs2082965805, ClinGen allele CA410096996.